The following is an entry in ClinVar:

ClinVar aggregate classification (germline): Conflicting classifications of pathogenicity. Review status: criteria provided, conflicting classifications (1 of 4 stars). 2 submissions from 2 submitters: Likely pathogenic (1); Uncertain significance (1). Last evaluated 2022-07-03.

Conditions:
Hereditary cancer-predisposing syndrome. Also called: Hereditary Cancer Syndrome; Neoplastic Syndromes, Hereditary; Hereditary neoplastic syndrome; Tumor predisposition. Identifiers: Orphanet 140162, MedGen C0027672, MeSH D009386, MONDO:0015356.
Microcephaly, normal intelligence and immunodeficiency (NBS). Also called: Nijmegen breakage syndrome; Microcephaly with normal intelligence immunodeficiency and lymphoreticular malignancies; Nonsyndromal microcephaly autosomal recessive with normal intelligence; Seemanova syndrome 2; Immunodeficiency, microcephaly with normal intelligence; Ataxia telangiectasia variant V1. Identifiers: Orphanet 647, MedGen C0398791, MONDO:0009623, OMIM 251260.

Submissions (2):

Labcorp Genetics (formerly Invitae), Labcorp
Classification: Likely pathogenic for Microcephaly, normal intelligence and immunodeficiency. Last evaluated: 2022-07-03. Review status: criteria provided, single submitter. Criteria: Invitae Variant Classification Sherloc (09022015). Collection method: clinical testing. Allele origin: germline.
Comment: ClinVar contains an entry for this variant (Variation ID: 820593). This variant has not been reported in the literature in individuals affected with NBN-related conditions. This variant is not present in population databases (gnomAD no frequency). This sequence change creates a premature translational stop signal (p.Asn684Lysfs*58) in the NBN gene. While this is not anticipated to result in nonsense mediated decay, it is expected to disrupt the last 71 amino acid(s) of the NBN protein. In summary, the currently available evidence indicates that the variant is pathogenic, but additional data are needed to prove that conclusively. Therefore, this variant has been classified as Likely Pathogenic. This variant disrupts the ATM interaction domain of the NBN protein (PMID: 24894818, 21035407), which is important for activating ATM in the double-strand break repair pathway (PMID: 15964794, 15048089). While functional studies have not been performed to directly test the effect of this variant on NBN protein function, this suggests that disruption of this region of the protein is causative of disease.

Ambry Genetics
Classification: Uncertain significance for Hereditary cancer-predisposing syndrome. Last evaluated: 2019-08-16. Review status: criteria provided, single submitter. Criteria: Ambry Variant Classification Scheme 2023. Collection method: clinical testing. Allele origin: germline.
Comment: The c.2051dupA variant, located in coding exon 13 of the NBN gene, results from a duplication of A at nucleotide position 2051, causing a translational frameshift with a predicted alternate stop codon (p.N684Kfs*58). Frameshifts are typically deleterious in nature, however, this frameshift occurs at the 3' terminus of NBN, is not expected to trigger nonsense-mediated mRNA decay, and impacts only the last 71 amino acids of the protein. The exact functional impact of these altered amino acids is unknown at this time. Since supporting evidence is limited at this time, the clinical significance of this alteration remains unclear.

Literature cited by the submitters: PubMed 24894818 (cited by Labcorp Genetics (formerly Invitae), Labcorp); PubMed 21035407 (cited by Labcorp Genetics (formerly Invitae), Labcorp); PubMed 15964794 (cited by Labcorp Genetics (formerly Invitae), Labcorp); PubMed 15048089 (cited by Labcorp Genetics (formerly Invitae), Labcorp).

NM_002485.5(NBN):c.2051dup (p.Asn684fs)

Gene: NBN (nibrin; minus strand). Cytogenetic location: 8q21.3.
Variant type: Duplication.
Coding change: c.2051dup on transcript NM_002485.5 (MANE Select); coding-DNA position 2051, one base duplicated (A; older notation c.2051dupA).
Protein change: p.Asn684fs; shifts the reading frame from asparagine 684.
Molecular consequence: frameshift variant.
Genome position (GRCh38, 1-based): chr8:89,946,159, T duplicated on the plus strand (A on the coding strand, the reverse complement: NBN is on the minus strand); the first of 6 consecutive T bases (chr8:89,946,159-89,946,164); duplicating any one gives the same sequence. VCF-style (leftmost placement, unchanged base first): chr8-89946158-A-AT. GRCh37 (hg19) VCF-style: chr8-90958386-A-AT.
Other names: c.1805dup, p.Asn602fs (NM_001024688.3); short protein forms N602fs, N684fs.
Identifiers: ClinVar variation 820593 (VCV000820593.9), dbSNP rs1586040200, ClinGen allele CA915945761.